The following is an entry in ClinVar:

NM_007186.6(CEP250):c.3746A>G (p.His1249Arg)

Gene: CEP250 (centrosomal protein 250; plus strand). Cytogenetic location: 20q11.22.
Variant type: single nucleotide variant.
Coding change: c.3746A>G on transcript NM_007186.6 (MANE Select); coding-DNA position 3746, A replaced by G.
Protein change: p.His1249Arg; replaces histidine 1249 with arginine.
Molecular consequence: missense variant.
Genome position (GRCh38, 1-based): chr20:35,498,685, A>G. VCF-style: chr20-35498685-A-G. GRCh37 (hg19) VCF-style: chr20-34086514-A-G.
Other names: c.1850A>G, p.His617Arg (NM_001318219.1); short protein forms H1249R, H617R.
Identifiers: ClinVar variation 1472836 (VCV001472836.6), dbSNP rs1184853425, ClinGen allele CA408745334.

ClinVar aggregate classification (germline): Uncertain significance (1 of 4 stars; one submission).

Allele frequency attached by ClinVar (database versions not stated): gnomAD exomes below 0.00001.
gnomAD v4.1: 2 of 1,601,966 alleles (0.00012%); highest among the groups gnomAD compares: South Asian, 0.0023%; no homozygotes.

Submission:

Labcorp Genetics (formerly Invitae), Labcorp
Classification: Uncertain significance. Last evaluated: 2020-11-24. Review status: criteria provided, single submitter. Criteria: Invitae Variant Classification Sherloc (09022015). Collection method: clinical testing. Allele origin: germline.
Comment: In summary, the available evidence is currently insufficient to determine the role of this variant in disease. Therefore, it has been classified as a Variant of Uncertain Significance. Algorithms developed to predict the effect of missense changes on protein structure and function are either unavailable or do not agree on the potential impact of this missense change (SIFT: "Not Available"; PolyPhen-2: "Benign"; Align-GVGD: "Not Available"). This variant has not been reported in the literature in individuals with CEP250-related conditions. This variant is not present in population databases (ExAC no frequency). This sequence change replaces histidine with arginine at codon 1249 of the CEP250 protein (p.His1249Arg). The histidine residue is moderately conserved and there is a small physicochemical difference between histidine and arginine.